The following is an entry in ClinVar:

ClinVar aggregate classification (germline): Pathogenic (1 of 4 stars; one submission).

Allele frequency attached by ClinVar (database versions not stated): ExAC 0.00001.
gnomAD v4.1: 6 of 1,613,804 alleles (0.00037%); highest among the groups gnomAD compares: African/African-American, 0.0013%; no homozygotes.

Submission:

Labcorp Genetics (formerly Invitae), Labcorp
Classification: Pathogenic. Last evaluated: 2022-10-03. Review status: criteria provided, single submitter. Criteria: Invitae Variant Classification Sherloc (09022015). Collection method: clinical testing. Allele origin: germline.
Comment: This sequence change creates a premature translational stop signal (p.Arg80*) in the DENND5A gene. It is expected to result in an absent or disrupted protein product. Loss-of-function variants in DENND5A are known to be pathogenic (PMID: 27431290, 27866705). This variant is present in population databases (rs757710217, gnomAD 0.0009%). This variant has not been reported in the literature in individuals affected with DENND5A-related conditions. For these reasons, this variant has been classified as Pathogenic.

Literature cited by the submitters: PubMed 27431290; PubMed 27866705.

NM_015213.4(DENND5A):c.238C>T (p.Arg80Ter)

Gene: DENND5A (DENN domain containing 5A; minus strand). Cytogenetic location: 11p15.4.
Variant type: single nucleotide variant.
Coding change: c.238C>T on transcript NM_015213.4 (MANE Select); coding-DNA position 238, C replaced by T.
Protein change: p.Arg80Ter; replaces arginine 80 with a stop codon.
Molecular consequence: nonsense. On other transcripts: 5 prime UTR variant (1), non-coding transcript variant (1).
Genome position (GRCh38, 1-based): chr11:9,206,726, G>A on the plus strand (C>T on the coding strand, the complement: DENND5A is on the minus strand). VCF-style: chr11-9206726-G-A. GRCh37 (hg19) VCF-style: chr11-9228273-G-A.
Other names: c.238C>T, p.Arg80Ter (NM_001243254.2, NM_001348748.1); c.166C>T, p.Arg56Ter (NM_001348749.2); c.-51C>T (NM_001348750.2); short protein forms R80*, R56*.
Identifiers: ClinVar variation 1971069 (VCV001971069.5), dbSNP rs757710217, ClinGen allele CA5877865.
Genomic context (GRCh38, chr11:9,206,726, plus strand): 5'-TACCAACCATTCCTACTGCATCTTGGTCAAAGGGATTCCATTCTACGTTCTCAGGATATC[G>A]TGCAAGGACCTTAGATTTGAATGTTCTTCTCAATGGTGTCTGCTCAAAATTTTCTCCTGT-3'